The following is an entry in ClinVar:

NM_007294.4(BRCA1):c.4997A>C (p.Tyr1666Ser)

Gene: BRCA1 (BRCA1 DNA repair associated; minus strand). Cytogenetic location: 17q21.31.
Variant type: single nucleotide variant.
Coding change: c.4997A>C on transcript NM_007294.4 (MANE Select); coding-DNA position 4997, A replaced by C.
Protein change: p.Tyr1666Ser; replaces tyrosine 1666 with serine.
Molecular consequence: missense variant. On other transcripts: non-coding transcript variant (1).
Genome position (GRCh38, 1-based): chr17:43,067,685, T>G on the plus strand (A>C on the coding strand, the complement: BRCA1 is on the minus strand). VCF-style: chr17-43067685-T-G. GRCh37 (hg19) VCF-style: chr17-41219702-T-G.
Other names: c.4784A>C, p.Tyr1595Ser (NM_001407571.1, NM_001407894.1, NM_001407895.1 and 12 more transcripts); c.5063A>C, p.Tyr1688Ser (NM_001407581.1, NM_001407582.1); c.5060A>C, p.Tyr1687Ser (NM_001407583.1, NM_001407585.1, NM_001407587.1 and 1 more transcripts); c.5057A>C, p.Tyr1686Ser (NM_001407590.1, NM_001407591.1); c.4997A>C, p.Tyr1666Ser (NM_001407593.1, NM_001407594.1, NM_001407596.1 and 8 more transcripts); c.4994A>C, p.Tyr1665Ser (NM_001407620.1, NM_001407621.1, NM_001407622.1 and 17 more transcripts); c.4991A>C, p.Tyr1664Ser (NM_001407627.1, NM_001407628.1, NM_001407639.1 and 14 more transcripts); c.4988A>C, p.Tyr1663Ser (NM_001407644.1, NM_001407645.1); and 70 more; short protein forms Y1687S, Y562S, Y1619S, Y1666S, Y1497S, Y1512S, Y1553S, Y1578S.
Identifiers: ClinVar variation 865514 (VCV000865514.3), dbSNP rs397509216, ClinGen allele CA10591526.

Conditions:
Breast-ovarian cancer, familial, susceptibility to, 1 (BROVCA1). Also called: BRCA1 Hereditary Breast and Ovarian Cancer; OVARIAN CANCER, SUSCEPTIBILITY TO. Identifiers: Orphanet 145, MedGen C2676676, MONDO:0011450, OMIM 604370. Disease mechanism: loss of function.

Submission:

Brotman Baty Institute, University of Washington
No classification provided (evidence only). Condition: Breast-ovarian cancer, familial 1. Review status: no classification provided. Collection method: in vitro. Allele origin: not applicable. Functional consequence: functionally_normal.
ClinVar note: "not provided" was previously submitted as the classification for the variant. However, the classification appeared to be based only on an observation of functional data so it was converted to no classification on 2025-07-30.